The following is an entry in ClinVar:

NM_000288.4(PEX7):c.903+5C>T

Gene: PEX7 (peroxisomal biogenesis factor 7; plus strand). Cytogenetic location: 6q23.3.
Variant type: single nucleotide variant.
Coding change: c.903+5C>T on transcript NM_000288.4 (MANE Select); 5 bases into the intron after coding-DNA position 903, C replaced by T.
Molecular consequence: intron variant.
Genome position (GRCh38, 1-based): chr6:136,898,246, C>T. VCF-style: chr6-136898246-C-T. GRCh37 (hg19) VCF-style: chr6-137219384-C-T.
Other names: c.903+5C>T (NM_000288.3).
Identifiers: ClinVar variation 2163495 (VCV002163495.3), dbSNP rs750211502, ClinGen allele CA4017786.

ClinVar aggregate classification (germline): Uncertain significance. Review status: criteria provided, multiple submitters, no conflicts (2 of 4 stars). 2 submissions from 2 submitters: Uncertain significance (2). Last evaluated 2024-10-15.

Conditions:
Inborn genetic diseases. Identifiers: MedGen C0950123, MeSH D030342.
Peroxisome biogenesis disorder 9B. Also called: PEX7-Related Refsum Disease; Refsum disease, adult, 2; PEROXISOME BIOGENESIS DISORDER, PEX7-RELATED, ATYPICAL. Identifiers: Orphanet 773, MedGen C2749346, MONDO:0013945, OMIM 614879.

Allele frequency attached by ClinVar (database versions not stated): ExAC 0.00002; gnomAD 0.00001; TOPMed 0.00002.
gnomAD v4.1: 21 of 1,504,726 alleles (0.0014%); highest among the groups gnomAD compares: Middle Eastern, 0.017%; no homozygotes.

Submissions (2):

Labcorp Genetics (formerly Invitae), Labcorp
Classification: Uncertain significance for Peroxisome biogenesis disorder 9B. Last evaluated: 2024-10-15. Review status: criteria provided, single submitter. Criteria: Invitae Variant Classification Sherloc (09022015). Collection method: clinical testing. Allele origin: germline.
Comment: This sequence change falls in intron 9 of the PEX7 gene. It does not directly change the encoded amino acid sequence of the PEX7 protein. It affects a nucleotide within the consensus splice site. This variant is present in population databases (rs750211502, gnomAD 0.03%). This variant has not been reported in the literature in individuals affected with PEX7-related conditions. ClinVar contains an entry for this variant (Variation ID: 2163495). Variants that disrupt the consensus splice site are a relatively common cause of aberrant splicing (PMID: 17576681, 9536098). Algorithms developed to predict the effect of sequence changes on RNA splicing suggest that this variant is not likely to affect RNA splicing. In summary, the available evidence is currently insufficient to determine the role of this variant in disease. Therefore, it has been classified as a Variant of Uncertain Significance.

Ambry Genetics
Classification: Uncertain significance for Inborn genetic diseases. Last evaluated: 2021-10-12. Review status: criteria provided, single submitter. Criteria: Ambry Variant Classification Scheme 2023. Collection method: clinical testing. Allele origin: germline.
Comment: The c.903+5C>T intronic alteration consists of a C to T substitution nucleotides after coding exon 9 in the PEX7 gene. Based on insufficient or conflicting evidence, the clinical significance of this alteration remains unclear.

Literature cited by the submitters: PubMed 17576681 (cited by Labcorp Genetics (formerly Invitae), Labcorp); PubMed 9536098 (cited by Labcorp Genetics (formerly Invitae), Labcorp).